The following is an entry in ClinVar:

ClinVar aggregate classification (germline): Pathogenic (1 of 4 stars; one submission).

Conditions:
Atypical hemolytic-uremic syndrome. Identifiers: Orphanet 2134, MedGen C2931788, MONDO:0016244.

Submission:

Genomenon, Inc
Classification: Pathogenic for Atypical hemolytic-uremic syndrome. Last evaluated: 2026-09-17. Review status: criteria provided, single submitter. Criteria: Genomenon Sequence Variant Interpretation Standards - Updated. Collection method: curation. Allele origin: germline. Affected: yes.
Comment: DGKE p.Ile187PhefsTer6 (c.559del) is a frameshift variant that is predicted to introduce a premature termination codon and result in a truncated or absent protein product. This variant has been observed in at least one proband affected with atypical hemolytic-uremic syndrome (PMID:28526779). It is absent or not present at a significant frequency in gnomAD. In conclusion, we classify DGKE p.Ile187PhefsTer6 (c.559del) as a pathogenic variant.

Literature cited by the submitters: PubMed 28526779.

NM_003647.3(DGKE):c.559del (p.Ile187fs)

Gene: DGKE (diacylglycerol kinase epsilon; plus strand). Cytogenetic location: 17q22.
Variant type: Deletion.
Coding change: c.559del on transcript NM_003647.3 (MANE Select); coding-DNA position 559, one base deleted (A; older notation c.559delA).
Protein change: p.Ile187fs; shifts the reading frame from isoleucine 187.
Molecular consequence: frameshift variant.
Genome position (GRCh38, 1-based): chr17:56,844,113, A deleted. VCF-style (leftmost placement, unchanged base first): chr17-56844112-CA-C. GRCh37 (hg19) VCF-style: chr17-54921473-CA-C.
Other names: short protein forms I187fs.
Identifiers: ClinVar variation 4976840 (VCV004976840.1).